The following is an entry in ClinVar:

NM_000275.3(OCA2):c.1239+5G>C

Gene: OCA2 (OCA2 melanosomal transmembrane protein; minus strand). Cytogenetic location: 15q13.1.
Variant type: single nucleotide variant.
Coding change: c.1239+5G>C on transcript NM_000275.3 (MANE Select); 5 bases into the intron after coding-DNA position 1239, G replaced by C.
Molecular consequence: intron variant.
Genome position (GRCh38, 1-based): chr15:27,986,582, C>G on the plus strand (G>C on the coding strand, the complement: OCA2 is on the minus strand). VCF-style: chr15-27986582-C-G. GRCh37 (hg19) VCF-style: chr15-28231728-C-G.
Other names: c.1167+5G>C (NM_001300984.2).
Identifiers: ClinVar variation 193985 (VCV000193985.36), dbSNP rs757119713, ClinGen allele CA239740.

ClinVar aggregate classification (germline): Conflicting classifications of pathogenicity. Review status: criteria provided, conflicting classifications (1 of 4 stars). 11 submissions from 11 submitters: Pathogenic (4); Likely pathogenic (3); Uncertain significance (4). Last evaluated 2026-10-07.

Conditions:
OCA2-related disorder. Also called: OCA2-related condition.
Inborn genetic diseases. Identifiers: MedGen C0950123, MeSH D030342.
Oculocutaneous albinism. Identifiers: Orphanet 55, MedGen C0078918, MONDO:0018910.
Tyrosinase-positive oculocutaneous albinism (OCA2). Also called: Albinism, oculocutaneous, type II; ALBINISM II; Oculocutaneous albinism type 2. Identifiers: Orphanet 79432, MedGen C0268495, MONDO:0008746, OMIM 203200.
SKIN/HAIR/EYE PIGMENTATION 1, BLUE/NONBLUE EYES (SHEP1). Also called: EYE COLOR 3; EYE COLOR, BLUE/NONBLUE; EYE COLOR, BROWN/BLUE; HAIR COLOR 3; SKIN/HAIR/EYE PIGMENTATION 1, BLOND/BROWN HAIR; SKIN/HAIR/EYE PIGMENTATION 1, BLUE/BROWN EYES. Identifiers: MedGen C1856895, OMIM 227220.

Allele frequency attached by ClinVar (database versions not stated): gnomAD 0.00014 and 0.00016; TOPMed 0.00028; gnomAD exomes below 0.00001; ExAC 0.00001.
gnomAD v4.1: 38 of 1,550,668 alleles (0.0025%); highest among the groups gnomAD compares: Admixed American, 0.047%; no homozygotes.

Submissions (11):

GeneDx
Classification: Pathogenic. Last evaluated: 2026-10-07. Review status: criteria provided, single submitter. Criteria: GeneDx Variant Classification Process June 2021. Collection method: clinical testing. Allele origin: germline.
Comment: Intronic +5 splice site variant in a gene for which loss of function is a known mechanism of disease, and both splice predictors and evolutionary conservation support a deleterious effect, although in the absence of functional evidence the actual effect of this sequence change is unknown.; Not observed at significant frequency in large population cohorts (gnomAD); This variant is associated with the following publications: (PMID: Fang2022[Abstract], 41905947)

PreventionGenetics, part of Exact Sciences
Classification: Likely pathogenic for OCA2-related condition. Last evaluated: 2026-08-04. Review status: criteria provided, single submitter. Criteria: ACMG Guidelines, 2015. Collection method: clinical testing. Allele origin: germline.
Comment: The OCA2 c.1239+5G>C variant is predicted to interfere with splicing. This variant is predicted to weaken the nearby splice donor site based on splicing prediction programs (SpliceAI, Jaganathan et al. 2019. PubMed ID: 30661751). To our knowledge, this variant has not been reported in the literature. This variant has been detected in the homozygous state and in the heterozygous state along with a second OCA2 variant in several individuals undergoing testing for oculocutaneous albinism (PreventionGenetics internal data). Additionally, a different substitution at the same nucleotide (c.1239+5G>A/ IVS12+5G>A) has been reported in an individual with oculocutaneous albinism (King et al. 2003. PubMed ID: 12876664). Given the evidence, we interpret c.1239+5G>C as likely pathogenic.

Labcorp Genetics (formerly Invitae), Labcorp
Classification: Pathogenic. Last evaluated: 2025-12-16. Review status: criteria provided, single submitter. Criteria: Invitae Variant Classification Sherloc (09022015). Collection method: clinical testing. Allele origin: germline.
Comment: This sequence change falls in intron 12 of the OCA2 gene. It does not directly change the encoded amino acid sequence of the OCA2 protein. It affects a nucleotide within the consensus splice site. This variant is present in population databases (rs757119713, gnomAD 0.0009%). This variant has been observed in individuals with clinical features of oculocutaneous albinism (internal data). ClinVar contains an entry for this variant (Variation ID: 193985). Variants that disrupt the consensus splice site are a relatively common cause of aberrant splicing (PMID: 17576681, 9536098). Algorithms developed to predict the effect of sequence changes on RNA splicing suggest that this variant may disrupt the consensus splice site. For these reasons, this variant has been classified as Pathogenic.

Ambry Genetics
Classification: Likely pathogenic for Inborn genetic diseases. Last evaluated: 2025-09-21. Review status: criteria provided, single submitter. Criteria: Ambry Variant Classification Scheme 2023. Collection method: clinical testing. Allele origin: germline.
Comment: The c.1239+5G>C intronic alteration results from a G to C substitution 5 nucleotides after exon 12 (coding exon 11) of the OCA2 gene. Based on data from gnomAD, this allele has an overall frequency of <0.001% (1/251376) total alleles studied. The highest observed frequency was 0.001% (1/113716) of European (non-Finnish) alleles. This variant has been identified in the homozygous state and/or in conjunction with other OCA2 variant(s) in individual(s) with features consistent with OCA2-related oculocutaneous albinism (external communication). This nucleotide position is well conserved in available vertebrate species. In silico splice site analysis predicts that this alteration will weaken the native splice donor site. Based on the available evidence, this alteration is classified as likely pathogenic.

Women's Health and Genetics/Laboratory Corporation of America, LabCorp
Classification: Pathogenic for Oculocutaneous albinism. Last evaluated: 2025-04-21. Review status: criteria provided, single submitter. Criteria: LabCorp Variant Classification Summary - May 2015. Collection method: clinical testing. Allele origin: germline.
Comment: Variant summary: OCA2 c.1239+5G>C alters a nucleotide located close to a canonical splice site and therefore could affect mRNA splicing, leading to a significantly altered protein sequence. Several computational tools predict a significant impact on normal splicing: Two predict the variant weakens a 5' donor site. Three predict the variant abolishes a cryptic 5 donor site. However, these predictions have yet to be confirmed by functional studies. The variant allele was found at a frequency of 4e-06 in 251376 control chromosomes. c.1239+5G>C has been observed in multiple homozygous or compound heterozygous individuals affected with Oculocutaneous Albinism (internal data). These data indicate that the variant is very likely to be associated with disease. To our knowledge, no experimental evidence demonstrating an impact on protein function has been reported. ClinVar contains an entry for this variant (Variation ID: 193985). Based on the evidence outlined above, the variant was classified as pathogenic.

Blueprint Genetics
Classification: Pathogenic for OCA2-related disorders. Last evaluated: 2024-08-01. Review status: criteria provided, single submitter. Criteria: ACMG Guidelines, 2015. Collection method: clinical testing. Allele origin: germline. Affected: yes. Observed: 5 variant alleles.

Baylor Genetics
Classification: Likely pathogenic for SKIN/HAIR/EYE PIGMENTATION 1, BLUE/NONBLUE EYES. Last evaluated: 2024-03-17. Review status: criteria provided, single submitter. Criteria: ACMG Guidelines, 2015. Collection method: clinical testing. Allele origin: unknown.

Genome-Nilou Lab
Classification: Uncertain significance for Tyrosinase-positive oculocutaneous albinism. Last evaluated: 2021-11-07. Review status: criteria provided, single submitter. Criteria: ACMG Guidelines, 2015. Collection method: clinical testing. Allele origin: germline. Affected: no.

Fulgent Genetics
Classification: Uncertain significance for Tyrosinase-positive oculocutaneous albinism; SKIN/HAIR/EYE PIGMENTATION 1, BLUE/NONBLUE EYES. Last evaluated: 2018-10-31. Review status: criteria provided, single submitter. Criteria: ACMG Guidelines, 2015. Collection method: clinical testing. Allele origin: unknown.

Genetic Services Laboratory, University of Chicago
Classification: Uncertain significance. Last evaluated: 2018-06-08. Review status: criteria provided, single submitter. Criteria: ACMG Guidelines, 2015. Collection method: clinical testing. Allele origin: germline. Affected: no.

Eurofins Ntd Llc (ga)
Classification: Uncertain significance. Last evaluated: 2014-11-12. Review status: criteria provided, single submitter. Criteria: EGL Classification Definitions 2015. Collection method: clinical testing. Allele origin: germline. Observed: 1 variant allele, 1 heterozygote.

Literature cited by the submitters: PubMed 17576681 (cited by Labcorp Genetics (formerly Invitae), Labcorp); PubMed 9536098 (cited by Labcorp Genetics (formerly Invitae), Labcorp).